The following is an entry in ClinVar:

NM_000123.4(ERCC5):c.2940A>T (p.Val980=)

Genes: BIVM-ERCC5 (BIVM-ERCC5 readthrough; plus strand), ERCC5 (ERCC excision repair 5, endonuclease; plus strand). Cytogenetic location: 13q33.1.
Variant type: single nucleotide variant.
Coding change: c.2940A>T on transcript NM_000123.4 (MANE Select); coding-DNA position 2940, A replaced by T.
Protein change: p.Val980=; no amino-acid change (valine 980 retained).
Molecular consequence: synonymous variant.
Genome position (GRCh38, 1-based): chr13:102,873,319, A>T. VCF-style: chr13-102873319-A-T. GRCh37 (hg19) VCF-style: chr13-103525669-A-T.
Other names: c.4302A>T, p.Val1434= (NM_001204425.2).
Identifiers: ClinVar variation 3032289 (VCV003032289.2), dbSNP rs755540602, ClinGen allele CA255466916.

ClinVar aggregate classification (germline): Likely benign (0 of 4 stars; one submission).

Conditions:
ERCC5-related disorder. Also called: ERCC5-related condition.

Allele frequency attached by ClinVar (database versions not stated): gnomAD 0.00001; TOPMed 0.00002.
gnomAD v4.1: 5 of 1,614,014 alleles (0.00031%); highest among the groups gnomAD compares: Admixed American, 0.0067%; no homozygotes.

Submission:

PreventionGenetics, part of Exact Sciences
Classification: Likely benign for ERCC5-related condition. Last evaluated: 2021-03-04. Review status: no assertion criteria provided. Collection method: clinical testing. Allele origin: germline.
Comment: This variant is classified as likely benign based on ACMG/AMP sequence variant interpretation guidelines (Richards et al. 2015 PMID: 25741868, with internal and published modifications).